The following is an entry in ClinVar:

ClinVar aggregate classification (germline): Likely benign (1 of 4 stars; one submission).

Conditions:
NCOA1-related disorder. Also called: NCOA1-related condition.

Submission:

PreventionGenetics, part of Exact Sciences
Classification: Likely benign for NCOA1-related condition. Last evaluated: 2025-01-22. Review status: criteria provided, single submitter. Criteria: ACMG Guidelines, 2015. Collection method: clinical testing. Allele origin: germline.
Comment: This variant is classified as likely benign based on ACMG/AMP sequence variant interpretation guidelines (Richards et al. 2015 PMID: 25741868, with internal and published modifications).

NM_003743.5(NCOA1):c.3202-6C>G

Gene: NCOA1 (nuclear receptor coactivator 1; plus strand). Cytogenetic location: 2p23.3.
Variant type: single nucleotide variant.
Coding change: c.3202-6C>G on transcript NM_003743.5 (MANE Select); 6 bases into the intron before coding-DNA position 3202, C replaced by G.
Molecular consequence: intron variant.
Genome position (GRCh38, 1-based): chr2:24,739,426, C>G. VCF-style: chr2-24739426-C-G. GRCh37 (hg19) VCF-style: chr2-24962295-C-G.
Other names: c.3202-6C>G (NM_001362950.1, NM_147223.3, NM_001362955.1 and 3 more transcripts).
Identifiers: ClinVar variation 5000554 (VCV005000554.1).
Genomic context (GRCh38, chr2:24,739,426, plus strand): 5'-TACTTTATAAGGCCCGTGTTATGCTTGTGTGTAGAAATATATCTTATTGTTTCCATTTTT[C>G]TCTAGTTGATACACCAAAATCGGCAAGCTATCTTAAACCAGTTTGCAGCAACTGCTCCTG-3'